The following is an entry in ClinVar:

NM_002025.4(AFF2):c.506T>A (p.Val169Glu)

Gene: AFF2 (ALF transcription elongation factor 2; plus strand). Cytogenetic location: Xq28.
Variant type: single nucleotide variant.
Coding change: c.506T>A on transcript NM_002025.4 (MANE Select); coding-DNA position 506, T replaced by A.
Protein change: p.Val169Glu; replaces valine 169 with glutamic acid.
Molecular consequence: missense variant.
Genome position (GRCh38, 1-based): chrX:148,662,233, T>A. VCF-style: chrX-148662233-T-A. GRCh37 (hg19) VCF-style: chrX-147743754-T-A.
Other names: c.494T>A, p.Val165Glu (NM_001169122.2, NM_001169123.2, NM_001169125.2); c.506T>A, p.Val169Glu (NM_001169124.2); short protein forms V165E, V169E.
Identifiers: ClinVar variation 4537936 (VCV004537936.1).

ClinVar aggregate classification (germline): Uncertain significance (1 of 4 stars; one submission).

Submission:

GeneDx
Classification: Uncertain significance. Last evaluated: 2025-06-09. Review status: criteria provided, single submitter. Criteria: GeneDx Variant Classification Process June 2021. Collection method: clinical testing. Allele origin: germline. Affected: yes.
Comment: Not observed at significant frequency in large population cohorts (gnomAD); In silico analysis suggests that this missense variant does not alter protein structure/function; Has not been previously published as pathogenic or benign to our knowledge